The following is an entry in ClinVar:

NM_000574.5(CD55):c.1120C>G (p.Leu374Val)

Gene: CD55 (CD55 molecule (Cromer blood group); plus strand). Cytogenetic location: 1q32.2.
Variant type: single nucleotide variant.
Coding change: c.1120C>G on transcript NM_000574.5 (MANE Select); coding-DNA position 1120, C replaced by G.
Protein change: p.Leu374Val; replaces leucine 374 with valine.
Molecular consequence: missense variant. On other transcripts: 3 prime UTR variant (1), non-coding transcript variant (1).
Genome position (GRCh38, 1-based): chr1:207,359,584, C>G. VCF-style: chr1-207359584-C-G. GRCh37 (hg19) VCF-style: chr1-207532929-C-G.
Other names: c.1238C>G, p.Ala413Gly (NM_001114752.3); c.1235C>G, p.Ala412Gly (NM_001300903.2); c.*58C>G (NM_001300904.2); c.1120C>G (NM_000574.3); short protein forms L374V, A412G, A413G.
Identifiers: ClinVar variation 1374054 (VCV001374054.5), dbSNP rs777467341, ClinGen allele CA1368291.

ClinVar aggregate classification (germline): Uncertain significance. Review status: criteria provided, multiple submitters, no conflicts (2 of 4 stars). 2 submissions from 2 submitters: Uncertain significance (2). Last evaluated 2024-05-15.

Conditions:
Inborn genetic diseases. Identifiers: MedGen C0950123, MeSH D030342.

Allele frequency attached by ClinVar (database versions not stated): gnomAD exomes 0.00002 and 0.00003; ExAC 0.00003; gnomAD 0.00006 and 0.00007.
gnomAD v4.1: 46 of 1,586,444 alleles (0.0029%); highest among the groups gnomAD compares: Admixed American, 0.027%; 1 homozygote.

Submissions (2):

Ambry Genetics
Classification: Uncertain significance for Inborn genetic diseases. Last evaluated: 2024-05-15. Review status: criteria provided, single submitter. Criteria: Ambry Variant Classification Scheme 2023. Collection method: clinical testing. Allele origin: germline.

Labcorp Genetics (formerly Invitae), Labcorp
Classification: Uncertain significance. Last evaluated: 2022-10-19. Review status: criteria provided, single submitter. Criteria: Invitae Variant Classification Sherloc (09022015). Collection method: clinical testing. Allele origin: germline.
Comment: This sequence change replaces leucine, which is neutral and non-polar, with valine, which is neutral and non-polar, at codon 374 of the CD55 protein (p.Leu374Val). This variant is present in population databases (rs777467341, gnomAD 0.009%). This variant has not been reported in the literature in individuals affected with CD55-related conditions. ClinVar contains an entry for this variant (Variation ID: 1374054). Algorithms developed to predict the effect of missense changes on protein structure and function are either unavailable or do not agree on the potential impact of this missense change (SIFT: "Tolerated"; PolyPhen-2: "Not Available"; Align-GVGD: "Class C0"). In summary, the available evidence is currently insufficient to determine the role of this variant in disease. Therefore, it has been classified as a Variant of Uncertain Significance.